The following is an entry in ClinVar:

ClinVar aggregate classification (germline): Pathogenic (1 of 4 stars; one submission).

Conditions:
Sotos syndrome (SOTOS). Also called: CEREBRAL GIGANTISM; Sotos' syndrome; Distinctive facial appearance, overgrowth in childhood, and learning disabilities or delayed development; CHROMOSOME 5q35 DELETION SYNDROME; SOTOS SYNDROME 1. Identifiers: Orphanet 821, MedGen C0175695, MONDO:0019349, OMIM 117550.

Submission:

Victorian Clinical Genetics Services, Murdoch Childrens Research Institute
Classification: Pathogenic for Sotos syndrome. Last evaluated: 2025-01-22. Review status: criteria provided, single submitter. Criteria: ACMG Guidelines, 2015. Collection method: clinical testing. Allele origin: germline. Affected: yes.
Comment: This variant is classified as Pathogenic. Evidence in support of pathogenic classification: Variant is predicted to result in a truncated protein (premature termination codon is NOT located at least 54 nucleotides upstream of the final exon-exon junction) with less than 1/3 of the protein sequence affected; Variant is absent from gnomAD (v2, v3 and v4); This variant has limited previous evidence of pathogenicity in an unrelated individual(s) with mild intellectual disability and height overgrowth (PMID: 28475857); Other protein truncating variant(s) comparable to the one identified in this case have very strong previous evidence for pathogenicity (DECIPHER, ClinVar); Additional information: This variant is heterozygous; This gene is associated with autosomal dominant disease; Variant is predicted to truncate the annotated NSD Cys-His rich domain (DECIPHER); Loss of function is a known mechanism of disease in this gene and is associated with Sotos syndrome (MIM#117550).

Literature cited by the submitters: PubMed 28475857.

NM_022455.5(NSD1):c.6405dup (p.Pro2136fs)

Gene: NSD1 (nuclear receptor binding SET domain protein 1; plus strand). Cytogenetic location: 5q35.3.
Variant type: Duplication.
Coding change: c.6405dup on transcript NM_022455.5 (MANE Select); coding-DNA position 6405, one base duplicated (A; older notation c.6405dupA).
Protein change: p.Pro2136fs; shifts the reading frame from proline 2136.
Molecular consequence: frameshift variant.
Genome position (GRCh38, 1-based): chr5:177,292,100, A duplicated; the last of 3 consecutive A bases (chr5:177,292,098-177,292,100); duplicating any one gives the same sequence. VCF-style (leftmost placement, unchanged base first): chr5-177292097-G-GA. GRCh37 (hg19) VCF-style: chr5-176719098-G-GA.
Other names: c.5652dup, p.Pro1885fs (NM_001409305.1); c.5643dup, p.Pro1882fs (NM_001409306.1, NM_001409307.1); c.5532dup, p.Pro1845fs (NM_001409308.1, NM_172349.5, NM_001365684.2); c.5283dup, p.Pro1762fs (NM_001409309.1); c.6405dup, p.Pro2136fs (NM_001409301.1, NM_001409302.1, NM_001409303.1); c.5985dup, p.Pro1996fs (NM_001409304.1); short protein forms P1762fs, P1845fs, P1882fs, P1885fs, P1996fs, P2136fs.
Identifiers: ClinVar variation 4531986 (VCV004531986.1).
Genomic context (GRCh38, chr5:177,292,097, plus strand): 5'-AAAGGAGCGAGAAGATGAGTGTTTTAGTTGTGGGGATGCTGGCCAGCTCGTCTCCTGCAA[G>GA]AAACCAGGCTGCCCAAAAGTTTACCACGCAGACTGTCTCAATCTGACCAAGCGACCAGCA-3'